The following is an entry in ClinVar:

NM_001961.4(EEF2):c.2250+1G>A

Genes: EEF2 (eukaryotic translation elongation factor 2; minus strand), LOC130063169 (ATAC-STARR-seq lymphoblastoid active region 13746; plus strand). Cytogenetic location: 19p13.3.
Variant type: single nucleotide variant.
Coding change: c.2250+1G>A on transcript NM_001961.4 (MANE Select); the canonical splice donor site of the intron after coding-DNA position 2250, G replaced by A.
Molecular consequence: splice donor variant.
Genome position (GRCh38, 1-based): chr19:3,977,427, C>T on the plus strand (G>A on the coding strand, the complement: EEF2 is on the minus strand). VCF-style: chr19-3977427-C-T. GRCh37 (hg19) VCF-style: chr19-3977425-C-T.
Identifiers: ClinVar variation 4529976 (VCV004529976.1).
Genomic context (GRCh38, chr19:3,977,427, plus strand): 5'-ACCTGTCAGTGGCCGCTGGGCAGGACGGTGGCAGGGTCAGCGGTGGGCGGGTAGACCTCA[C>T]CTGGATCTCCACAAGGTAGATGGGCTCCATGAGGCGTGGCTGGGCGGTCAGCACACTGGC-3'

ClinVar aggregate classification (germline): Uncertain significance (1 of 4 stars; one submission).

Submission:

GeneDx
Classification: Uncertain significance. Last evaluated: 2025-05-15. Review status: criteria provided, single submitter. Criteria: GeneDx Variant Classification Process June 2021. Collection method: clinical testing. Allele origin: germline. Affected: yes.
Comment: Not observed at significant frequency in large population cohorts (gnomAD); Canonical splice site variant with an unclear effect on protein function; Has not been previously published as pathogenic or benign to our knowledge